The following is an entry in ClinVar:

ClinVar aggregate classification (germline): Conflicting classifications of pathogenicity. Review status: criteria provided, conflicting classifications (1 of 4 stars). 2 submissions from 2 submitters: Likely pathogenic (1); Uncertain significance (1). Last evaluated 2026-02-12.

Conditions:
PMM2-congenital disorder of glycosylation. Also called: CDG Ia; JAEKEN SYNDROME; Congenital disorder of glycosylation, type Ia; PHOSPHOMANNOMUTASE 2 DEFICIENCY; CARBOHYDRATE-DEFICIENT GLYCOPROTEIN SYNDROME, TYPE Ia; PMM2-CDG. Identifiers: Orphanet 79318, MedGen C0349653, MONDO:0008907, OMIM 212065.

Allele frequency attached by ClinVar (database versions not stated): gnomAD exomes below 0.00001.
gnomAD v4.1: 1 of 1,597,902 alleles (0.000063%); highest among the groups gnomAD compares: Non-Finnish European, 0.000086%; no homozygotes.

Submissions (2):

Myriad Genetics, Inc.
Classification: Likely pathogenic for PMM2-congenital disorder of glycosylation. Last evaluated: 2026-02-12. Review status: criteria provided, single submitter. Criteria: Myriad Autosomal Dominant, Autosomal Recessive and X-Linked Classification Criteria (2023). Collection method: clinical testing. Allele origin: unknown.
Comment: NM_000303.2(PMM2):c.169G>C(G57R) is a missense variant classified as likely pathogenic in the context of congenital disorder of glycosylation, PMM2-related. G57R has been observed in cases with relevant disease (PMID: 26425584, 33643843, Kamenets_2014_(Article)). Relevant functional assessments of this variant are not available in the literature. G57R has not been observed in referenced population frequency databases. In summary, NM_000303.2(PMM2):c.169G>C(G57R) is a missense variant that has been observed more frequently in cases with the relevant disease than in healthy populations. Please note: this variant was assessed in the context of healthy population screening.

Labcorp Genetics (formerly Invitae), Labcorp
Classification: Uncertain significance for PMM2-congenital disorder of glycosylation. Last evaluated: 2022-08-05. Review status: criteria provided, single submitter. Criteria: Invitae Variant Classification Sherloc (09022015). Collection method: clinical testing. Allele origin: germline.
Comment: This sequence change replaces glycine, which is neutral and non-polar, with arginine, which is basic and polar, at codon 57 of the PMM2 protein (p.Gly57Arg). This variant is not present in population databases (gnomAD no frequency). This missense change has been observed in individual(s) with clinical features of congenital disorder of glycosylation type 1a (PMID: 19862844, 26425584, 33643843). Advanced modeling of protein sequence and biophysical properties (such as structural, functional, and spatial information, amino acid conservation, physicochemical variation, residue mobility, and thermodynamic stability) performed at Invitae indicates that this missense variant is expected to disrupt PMM2 protein function. In summary, the available evidence is currently insufficient to determine the role of this variant in disease. Therefore, it has been classified as a Variant of Uncertain Significance.

Literature cited by the submitters: PubMed 19862844 (cited by Labcorp Genetics (formerly Invitae), Labcorp); PubMed 26425584 (cited by Labcorp Genetics (formerly Invitae), Labcorp); PubMed 33643843 (cited by Labcorp Genetics (formerly Invitae), Labcorp).

NM_000303.3(PMM2):c.169G>C (p.Gly57Arg)

Gene: PMM2 (phosphomannomutase 2; plus strand). Cytogenetic location: 16p13.2.
Variant type: single nucleotide variant.
Coding change: c.169G>C on transcript NM_000303.3 (MANE Select); coding-DNA position 169, G replaced by C.
Protein change: p.Gly57Arg; replaces glycine 57 with arginine.
Molecular consequence: missense variant.
Genome position (GRCh38, 1-based): chr16:8,801,901, G>C. VCF-style: chr16-8801901-G-C. GRCh37 (hg19) VCF-style: chr16-8895758-G-C.
Other names: short protein forms G57R.
Identifiers: ClinVar variation 2137775 (VCV002137775.2), dbSNP rs2060618865, ClinGen allele CA394695335.